The following is an entry in ClinVar:

NM_014956.5(CEP164):c.2605T>C (p.Tyr869His)

Gene: CEP164 (centrosomal protein 164; plus strand). Cytogenetic location: 11q23.3.
Variant type: single nucleotide variant.
Coding change: c.2605T>C on transcript NM_014956.5 (MANE Select); coding-DNA position 2605, T replaced by C.
Protein change: p.Tyr869His; replaces tyrosine 869 with histidine.
Molecular consequence: missense variant.
Genome position (GRCh38, 1-based): chr11:117,393,115, T>C. VCF-style: chr11-117393115-T-C. GRCh37 (hg19) VCF-style: chr11-117263831-T-C.
Other names: c.2614T>C, p.Tyr872His (NM_001271933.2); short protein forms Y872H, Y869H.
Identifiers: ClinVar variation 959068 (VCV000959068.11), dbSNP rs774896440, ClinGen allele CA6295127.

ClinVar aggregate classification (germline): Uncertain significance. Review status: criteria provided, multiple submitters, no conflicts (2 of 4 stars). 4 submissions from 4 submitters: Uncertain significance (4). Last evaluated 2025-12-26.

Conditions:
Inborn genetic diseases. Identifiers: MedGen C0950123, MeSH D030342.
CEP164-related disorder. Also called: CEP164-related condition.
Nephronophthisis 15 (NPHP15). Identifiers: Orphanet 3156, MedGen C3541853, MONDO:0013917, OMIM 614845.

Allele frequency attached by ClinVar (database versions not stated): gnomAD 0.00001; gnomAD exomes 0.00002 and 0.00006; TOPMed 0.00003; ExAC 0.00006.
gnomAD v4.1: 33 of 1,612,756 alleles (0.002%); highest among the groups gnomAD compares: East Asian, 0.069%; no homozygotes.

Submissions (4):

PreventionGenetics, part of Exact Sciences
Classification: Uncertain significance for CEP164-related condition. Last evaluated: 2025-12-26. Review status: criteria provided, single submitter. Criteria: ACMG Guidelines, 2015. Collection method: clinical testing. Allele origin: germline.
Comment: The CEP164 c.2605T>C variant is predicted to result in the amino acid substitution p.Tyr869His. To our knowledge, this variant has not been reported in the literature. This variant is reported in 0.075% of alleles in individuals of East Asian descent in gnomAD. At this time, the clinical significance of this variant is uncertain due to the absence of conclusive functional and genetic evidence.

Ambry Genetics
Classification: Uncertain significance for Inborn genetic diseases. Last evaluated: 2025-01-24. Review status: criteria provided, single submitter. Criteria: Ambry Variant Classification Scheme 2023. Collection method: clinical testing. Allele origin: germline.

Fulgent Genetics
Classification: Uncertain significance for Nephronophthisis 15. Last evaluated: 2024-05-20. Review status: criteria provided, single submitter. Criteria: ACMG Guidelines, 2015. Collection method: clinical testing. Allele origin: germline.

Labcorp Genetics (formerly Invitae), Labcorp
Classification: Uncertain significance for Nephronophthisis 15. Last evaluated: 2022-08-09. Review status: criteria provided, single submitter. Criteria: Invitae Variant Classification Sherloc (09022015). Collection method: clinical testing. Allele origin: germline.
Comment: This sequence change replaces tyrosine, which is neutral and polar, with histidine, which is basic and polar, at codon 869 of the CEP164 protein (p.Tyr869His). This variant is present in population databases (rs774896440, gnomAD 0.07%). This variant has not been reported in the literature in individuals affected with CEP164-related conditions. ClinVar contains an entry for this variant (Variation ID: 959068). Algorithms developed to predict the effect of missense changes on protein structure and function (SIFT, PolyPhen-2, Align-GVGD) all suggest that this variant is likely to be disruptive. In summary, the available evidence is currently insufficient to determine the role of this variant in disease. Therefore, it has been classified as a Variant of Uncertain Significance.